The following is an entry in ClinVar:

ClinVar aggregate classification (germline): Uncertain significance (1 of 4 stars; one submission).

Conditions:
Hypertrichotic osteochondrodysplasia Cantu type. Also called: Cantu Syndrome; Cantú Syndrome. Identifiers: Orphanet 1517, MedGen C0795905, MONDO:0009406, OMIM 239850.

Submission:

Dasa
Classification: Uncertain significance for Hypertrichotic osteochondrodysplasia Cantu type. Last evaluated: 2025-11-03. Review status: criteria provided, single submitter. Criteria: DASA Assertion Criteria. Collection method: clinical testing. Allele origin: germline.
Comment: NM_020297.4(ABCC9):c.283T>G (p.Ser95Ala) is a missense variant that results in the substitution of serine with alanine. This variant is absent from population databases. The currently available literature and clinical evidence are not sufficient to establish a definitive association between this variant and the reported condition. Therefore, this variant is classified as a variant of uncertain significance.

NM_020297.4(ABCC9):c.283T>G (p.Ser95Ala)

Gene: ABCC9 (ATP binding cassette subfamily C member 9; minus strand). Cytogenetic location: 12p12.1.
Variant type: single nucleotide variant.
Coding change: c.283T>G on transcript NM_020297.4 (MANE Select); coding-DNA position 283, T replaced by G.
Protein change: p.Ser95Ala; replaces serine 95 with alanine.
Molecular consequence: missense variant. On other transcripts: 5 prime UTR variant (1).
Genome position (GRCh38, 1-based): chr12:21,933,783, A>C on the plus strand (T>G on the coding strand, the complement: ABCC9 is on the minus strand). VCF-style: chr12-21933783-A-C. GRCh37 (hg19) VCF-style: chr12-22086717-A-C.
Other names: c.283T>G, p.Ser95Ala (NM_001377273.1, NM_005691.4); c.-172T>G (NM_001377274.1); short protein forms S95A.
Identifiers: ClinVar variation 4882840 (VCV004882840.2).